The following is an entry in ClinVar:

NM_000209.4(PDX1):c.211C>A (p.Pro71Thr)

Gene: PDX1 (pancreatic and duodenal homeobox 1; plus strand). Cytogenetic location: 13q12.2.
Variant type: single nucleotide variant.
Coding change: c.211C>A on transcript NM_000209.4 (MANE Select); coding-DNA position 211, C replaced by A.
Protein change: p.Pro71Thr; replaces proline 71 with threonine.
Molecular consequence: missense variant.
Genome position (GRCh38, 1-based): chr13:27,920,349, C>A. VCF-style: chr13-27920349-C-A. GRCh37 (hg19) VCF-style: chr13-28494486-C-A.
Other names: c.211C>A (NM_000209.3); short protein forms P71T.
Identifiers: ClinVar variation 1043044 (VCV001043044.14), dbSNP rs564129447, ClinGen allele CA6927590.

ClinVar aggregate classification (germline): Conflicting classifications of pathogenicity. Review status: criteria provided, conflicting classifications (1 of 4 stars). 5 submissions from 5 submitters: Uncertain significance (4); Likely benign (1). Last evaluated 2025-11-27.

Conditions:
PDX1-related disorder. Also called: PDX1-related condition; PDX1-related disorders.
Type 2 diabetes mellitus. Also called: Type II diabetes mellitus. Identifiers: MedGen C0011860, MeSH D003924, MONDO:0005148, OMIM 125853, HP:0005978.
Maturity-onset diabetes of the young type 4 (MODY4). Also called: MODY, type IV; Maturity-onset diabetes of the young, type IV. Identifiers: Orphanet 552, MedGen C1833382, MONDO:0011667, OMIM 606392.
Pancreatic agenesis 1 (PAGEN1). Also called: PANCREATIC HYPOPLASIA, CONGENITAL. Identifiers: Orphanet 2805, MedGen C3891828, MONDO:0024547, OMIM 260370.
Maturity-onset diabetes of the young (MODY). Also called: Maturity onset diabetes mellitus in young. Identifiers: Orphanet 552, MedGen C0342276, MONDO:0018911, HP:0004904.

Allele frequency attached by ClinVar (database versions not stated): gnomAD exomes 0.00009; gnomAD 0.00041 and 0.00039; TOPMed 0.00046; 1000 Genomes Project 0.00060; 1000 Genomes Project 30x 0.00078; ExAC 0.00028.

Submissions (5):

Labcorp Genetics (formerly Invitae), Labcorp
Classification: Uncertain significance. Last evaluated: 2025-11-27. Review status: criteria provided, single submitter. Criteria: Invitae Variant Classification Sherloc (09022015). Collection method: clinical testing. Allele origin: germline.
Comment: This sequence change replaces proline, which is neutral and non-polar, with threonine, which is neutral and polar, at codon 71 of the PDX1 protein (p.Pro71Thr). This variant is present in population databases (rs564129447, gnomAD 0.2%). This variant has not been reported in the literature in individuals affected with PDX1-related conditions. ClinVar contains an entry for this variant (Variation ID: 1043044). Invitae Evidence Modeling of protein sequence and biophysical properties (such as structural, functional, and spatial information, amino acid conservation, physicochemical variation, residue mobility, and thermodynamic stability) indicates that this missense variant is not expected to disrupt PDX1 protein function with a negative predictive value of 80%. In summary, the available evidence is currently insufficient to determine the role of this variant in disease. Therefore, it has been classified as a Variant of Uncertain Significance.

Ambry Genetics
Classification: Likely benign for Maturity-onset diabetes of the young. Last evaluated: 2024-11-15. Review status: criteria provided, single submitter. Criteria: Ambry Variant Classification Scheme 2023. Collection method: clinical testing. Allele origin: germline.

GeneDx
Classification: Uncertain significance. Last evaluated: 2024-09-03. Review status: criteria provided, single submitter. Criteria: GeneDx Variant Classification Process June 2021. Collection method: clinical testing. Allele origin: germline. Affected: yes.
Comment: Reported in a patient from a cohort of individuals with dyslipidemia and metabolic disorders, however, patient-specific clinical information not provided (PMID: 32041611); In silico analysis supports that this missense variant has a deleterious effect on protein structure/function; This variant is associated with the following publications: (PMID: 24097065, 32041611)

PreventionGenetics, part of Exact Sciences
Classification: Uncertain significance for PDX1-related condition. Last evaluated: 2023-03-10. Review status: criteria provided, single submitter. Criteria: ACMG Guidelines, 2015. Collection method: clinical testing. Allele origin: germline.
Comment: The PDX1 c.211C>A variant is predicted to result in the amino acid substitution p.Pro71Thr. This variant was reported in an individual tested for dyslipidemias (Table S3/4 - Dron et al. 2020. PubMed ID: 32041611). This variant is reported in 0.16% of alleles in individuals of African descent in gnomAD. Although we suspect this variant could be benign, at this time, the clinical significance of this variant is uncertain due to the absence of conclusive functional and genetic evidence.

Fulgent Genetics
Classification: Uncertain significance for Type 2 diabetes mellitus; Pancreatic agenesis 1; Maturity-onset diabetes of the young type 4. Last evaluated: 2022-03-12. Review status: criteria provided, single submitter. Criteria: ACMG Guidelines, 2015. Collection method: clinical testing. Allele origin: unknown.

Literature cited by the submitters: PubMed 24097065 (cited by Ambry Genetics).